The following is an entry in ClinVar:

ClinVar aggregate classification (germline): Uncertain significance (1 of 4 stars; one submission).

Submission:

Labcorp Genetics (formerly Invitae), Labcorp
Classification: Uncertain significance. Last evaluated: 2023-06-28. Review status: criteria provided, single submitter. Criteria: Invitae Variant Classification Sherloc (09022015). Collection method: clinical testing. Allele origin: germline.
Comment: This variant is a gross deletion of the genomic region encompassing exon(s) 20-24 of the MSH3 gene, which includes the termination codon. This deletion extends beyond the assayed region for this gene and therefore may encompass additional genes. While this deletion is not anticipated to lead to nonsense mediated decay, it is expected to alter mRNA translation or result in a truncated protein product. In summary, the available evidence is currently insufficient to determine the role of this variant in disease. Therefore, it has been classified as a Variant of Uncertain Significance. Experimental studies and prediction algorithms are not available or were not evaluated, and the functional significance of this variant is currently unknown. A similar copy number variant has been observed in individual(s) with clinical features of MSH3-associated polyposis (Invitae).

NC_000005.9:g.(?_80109393)_(80171681_?)del

Gene: MSH3 (mutS homolog 3; plus strand). Cytogenetic location: 5q14.1.
Variant type: Deletion.
Identifiers: ClinVar variation 1041716 (VCV001041716.7).